The following is an entry in ClinVar:

ClinVar aggregate classification (germline): Likely benign. Review status: criteria provided, multiple submitters, no conflicts (2 of 4 stars). 6 submissions from 6 submitters: Likely benign (5). 1 of the submissions does not count toward it. Last evaluated 2026-01-19.

Conditions:
ALG6-related disorder. Also called: ALG6-related condition.
ALG6-congenital disorder of glycosylation 1C (CDG1C). Also called: CARBOHYDRATE-DEFICIENT GLYCOPROTEIN SYNDROME, TYPE I, WITH DEFICIENT GLYCOSYLATION OF DOLICHOL-LINKED OLIGOSACCHARIDE; CARBOHYDRATE-DEFICIENT GLYCOPROTEIN SYNDROME, TYPE V; Congenital disorder of glycosylation type 1C; Congenital disorder of glycosylation, type Ic; CDG Ic. Identifiers: Orphanet 79320, MedGen C2930997, MONDO:0011291, OMIM 603147.

Allele frequency attached by ClinVar (database versions not stated): gnomAD 0.00022 and 0.00024; gnomAD exomes 0.00025 and 0.00034; TOPMed 0.00025; ExAC 0.00029; ESP Exome Variant Server 0.00031.
gnomAD v4.1: 531 of 1,611,526 alleles (0.033%); highest among the groups gnomAD compares: Non-Finnish European, 0.043%; no homozygotes.

Submissions (6):

Labcorp Genetics (formerly Invitae), Labcorp
Classification: Likely benign for ALG6-congenital disorder of glycosylation 1C. Last evaluated: 2026-01-19. Review status: criteria provided, single submitter. Criteria: Invitae Variant Classification Sherloc (09022015). Collection method: clinical testing. Allele origin: germline.

Blueprint Genetics
Classification: Likely benign. Last evaluated: 2024-09-12. Review status: criteria provided, single submitter. Criteria: ACMG Guidelines, 2015. Collection method: clinical testing. Allele origin: germline.

ARUP Laboratories, Molecular Genetics and Genomics, ARUP Laboratories
Classification: Likely benign for ALG6-congenital disorder of glycosylation 1C. Last evaluated: 2024-02-12. Review status: criteria provided, single submitter. Criteria: ARUP Molecular Germline Variant Investigation Process 2024. Collection method: clinical testing. Allele origin: germline.

CeGaT Center for Human Genetics Tuebingen
Classification: Likely benign. Last evaluated: 2023-03-01. Review status: criteria provided, single submitter. Criteria: CeGaT Center For Human Genetics Tuebingen Variant Classification Criteria Version 2. Collection method: clinical testing. Allele origin: germline. Affected: yes. Observed: 1 variant allele.
Comment: ALG6: BP4, BP7

GeneDx
Classification: Likely benign. Last evaluated: 2017-12-07. Review status: criteria provided, single submitter. Criteria: GeneDx Variant Classification (06012015). Collection method: clinical testing. Allele origin: germline. Affected: yes.
Comment: This variant is considered likely benign or benign based on one or more of the following criteria: it is a conservative change, it occurs at a poorly conserved position in the protein, it is predicted to be benign by multiple in silico algorithms, and/or has population frequency not consistent with disease.

PreventionGenetics, part of Exact Sciences
Classification: Likely benign for ALG6-related condition. Last evaluated: 2024-03-11. Review status: no assertion criteria provided. Collection method: clinical testing. Allele origin: germline. Not counted in ClinVar's aggregate classification.
Comment: This variant is classified as likely benign based on ACMG/AMP sequence variant interpretation guidelines (Richards et al. 2015 PMID: 25741868, with internal and published modifications).

NM_013339.4(ALG6):c.963T>A (p.Ser321=)

Gene: ALG6 (ALG6 alpha-1,3-glucosyltransferase; plus strand). Cytogenetic location: 1p31.3.
Variant type: single nucleotide variant.
Coding change: c.963T>A on transcript NM_013339.4 (MANE Select); coding-DNA position 963, T replaced by A.
Protein change: p.Ser321=; no amino-acid change (serine 321 retained).
Molecular consequence: synonymous variant.
Genome position (GRCh38, 1-based): chr1:63,415,933, T>A. VCF-style: chr1-63415933-T-A. GRCh37 (hg19) VCF-style: chr1-63881604-T-A.
Other names: c.963T>A, p.Ser321= (LRG_1260t1).
Identifiers: ClinVar variation 513613 (VCV000513613.37), dbSNP rs141511876, ClinGen allele CA888309.